The following is an entry in ClinVar:

NM_001145319.2(PLS1):c.713T>G (p.Leu238Arg)

Gene: PLS1 (plastin 1; plus strand). Cytogenetic location: 3q23.
Variant type: single nucleotide variant.
Coding change: c.713T>G on transcript NM_001145319.2 (MANE Select); coding-DNA position 713, T replaced by G.
Protein change: p.Leu238Arg; replaces leucine 238 with arginine.
Molecular consequence: missense variant.
Genome position (GRCh38, 1-based): chr3:142,684,139, T>G. VCF-style: chr3-142684139-T-G. GRCh37 (hg19) VCF-style: chr3-142402981-T-G.
Other names: c.713T>G, p.Leu238Arg (NM_001172312.2, NM_002670.3); short protein forms L238R.
Identifiers: ClinVar variation 637056 (VCV000637056.3), dbSNP rs1577888561, ClinGen allele CA354830681.

ClinVar aggregate classification (germline): Uncertain significance. Review status: criteria provided, single submitter (1 of 4 stars). 2 submissions from 2 submitters: Uncertain significance (1). 1 of the submissions does not count toward it. Last evaluated 2019-07-23.

Conditions:
Hearing impairment. Also called: Impaired Hearing. Identifiers: MedGen C1384666, MONDO:0005365, HP:0000365.
Hearing loss, autosomal dominant 76. Also called: DEAFNESS, AUTOSOMAL DOMINANT 76. Identifiers: MedGen C5394080, MONDO:0032917, OMIM 618787.

Submissions (2):

Institute for Genomic Medicine, Nationwide Children's Hospital
Classification: Uncertain significance for Hearing impairment. Last evaluated: 2019-07-23. Review status: criteria provided, single submitter. Criteria: ACMG Guidelines, 2015. Collection method: research. Allele origin: inherited. Inheritance: Autosomal dominant inheritance. Affected: yes.
Comment: The c.713T>G variant was identified by genome sequencing in a rare disease research study. It is absent from the gnomAD population database and has never been reported to our knowledge. Familial testing confirmed that it segregates with disease in a manner consistent with autosomal dominant inheritance. In silico prediction tools predict that the variant will be damaging. We therefore interpret c.713T>G as a variant of uncertain significance (VUS).

OMIM
Classification: Pathogenic for DEAFNESS, AUTOSOMAL DOMINANT 76. Last evaluated: 2020-02-21. Review status: no assertion criteria provided. Collection method: literature only. Allele origin: germline. Not counted in ClinVar's aggregate classification.

Literature cited by the submitters: PubMed 31397523 (cited by OMIM).